The following is an entry in ClinVar:

ClinVar aggregate classification (germline): Uncertain significance (1 of 4 stars; one submission).

Conditions:
Inborn genetic diseases. Identifiers: MedGen C0950123, MeSH D030342.

Submission:

Ambry Genetics
Classification: Uncertain significance for Inborn genetic diseases. Last evaluated: 2021-10-16. Review status: criteria provided, single submitter. Criteria: Ambry Variant Classification Scheme 2023. Collection method: clinical testing. Allele origin: germline.
Comment: The p.R69W variant (also known as c.205C>T), located in coding exon 1 of the SMAD6 gene, results from a C to T substitution at nucleotide position 205. The arginine at codon 69 is replaced by tryptophan, an amino acid with dissimilar properties. This amino acid position is conserved. In addition, this alteration is predicted to be tolerated by in silico analysis. Since supporting evidence is limited at this time, the clinical significance of this alteration remains unclear.

NM_005585.5(SMAD6):c.205C>T (p.Arg69Trp)

Gene: SMAD6 (SMAD family member 6; plus strand). Cytogenetic location: 15q22.31.
Variant type: single nucleotide variant.
Coding change: c.205C>T on transcript NM_005585.5 (MANE Select); coding-DNA position 205, C replaced by T.
Protein change: p.Arg69Trp; replaces arginine 69 with tryptophan.
Molecular consequence: missense variant. On other transcripts: non-coding transcript variant (1).
Genome position (GRCh38, 1-based): chr15:66,703,463, C>T. VCF-style: chr15-66703463-C-T. GRCh37 (hg19) VCF-style: chr15-66995801-C-T.
Other names: short protein forms R69W.
Identifiers: ClinVar variation 1785197 (VCV001785197.2), dbSNP rs2545310935, ClinGen allele CA392948901.